The following is an entry in ClinVar:

ClinVar aggregate classification (germline): Uncertain significance. Review status: criteria provided, multiple submitters, no conflicts (2 of 4 stars). 2 submissions from 2 submitters: Uncertain significance (2). Last evaluated 2024-11-21.

Allele frequency attached by ClinVar (database versions not stated): gnomAD 0.00002 and 0.00003; TOPMed 0.00002.

Submissions (2):

Ambry Genetics
Classification: Uncertain significance. Last evaluated: 2024-11-21. Review status: criteria provided, single submitter. Criteria: Ambry Variant Classification Scheme 2023. Collection method: clinical testing. Allele origin: germline.

Labcorp Genetics (formerly Invitae), Labcorp
Classification: Uncertain significance. Last evaluated: 2022-09-12. Review status: criteria provided, single submitter. Criteria: Invitae Variant Classification Sherloc (09022015). Collection method: clinical testing. Allele origin: germline.
Comment: In summary, the available evidence is currently insufficient to determine the role of this variant in disease. Therefore, it has been classified as a Variant of Uncertain Significance. Algorithms developed to predict the effect of missense changes on protein structure and function are either unavailable or do not agree on the potential impact of this missense change (SIFT: "Deleterious"; PolyPhen-2: "Probably Damaging"; Align-GVGD: "Class C0"). ClinVar contains an entry for this variant (Variation ID: 954430). This variant has not been reported in the literature in individuals affected with SAMD11-related conditions. The frequency data for this variant in the population databases is considered unreliable, as metrics indicate poor data quality at this position in the gnomAD database. This sequence change replaces arginine, which is basic and polar, with tryptophan, which is neutral and slightly polar, at codon 349 of the SAMD11 protein (p.Arg349Trp).

NM_001385641.1(SAMD11):c.1534C>T (p.Arg512Trp)

Gene: SAMD11 (sterile alpha motif domain containing 11; plus strand). Cytogenetic location: 1p36.33.
Variant type: single nucleotide variant.
Coding change: c.1534C>T on transcript NM_001385641.1 (MANE Select); coding-DNA position 1534, C replaced by T.
Protein change: p.Arg512Trp; replaces arginine 512 with tryptophan.
Molecular consequence: missense variant.
Genome position (GRCh38, 1-based): chr1:942,469, C>T. VCF-style: chr1-942469-C-T. GRCh37 (hg19) VCF-style: chr1-877849-C-T.
Other names: c.1537C>T, p.Arg513Trp (NM_001385640.1); c.1045C>T, p.Arg349Trp (NM_152486.4); short protein forms R349W, R512W, R513W.
Identifiers: ClinVar variation 954430 (VCV000954430.8), dbSNP rs1196284645, ClinGen allele CA337807626.
Genomic context (GRCh38, chr1:942,469, plus strand): 5'-GGCTACGGCTTCCTGCCCCCCGCGCAGGCGGAGATGTTCGCCTGGCAGCAGGAGCTCCTG[C>T]GGAAGCAGAACCTGGCCCGGTAGGTGCGGGGAGGCGGGCGGGGCCGCGCGGCCCGGGAGG-3'
Protein context (NP_001372570.1, residues 502-522): EMFAWQQELL[Arg512Trp]KQNLARLELP